The following is an entry in ClinVar:

ClinVar aggregate classification (germline): Uncertain significance. Review status: criteria provided, multiple submitters, no conflicts (2 of 4 stars). 2 submissions from 2 submitters: Uncertain significance (2). Last evaluated 2024-06-11.

Conditions:
Inborn genetic diseases. Identifiers: MedGen C0950123, MeSH D030342.

Allele frequency attached by ClinVar (database versions not stated): gnomAD 0.00004 and 0.00005; TOPMed 0.00005; ExAC 0.00011.
gnomAD v4.1: 61 of 1,454,438 alleles (0.0042%); highest among the groups gnomAD compares: East Asian, 0.081%; no homozygotes.

Submissions (2):

Ambry Genetics
Classification: Uncertain significance for Inborn genetic diseases. Last evaluated: 2024-06-11. Review status: criteria provided, single submitter. Criteria: Ambry Variant Classification Scheme 2023. Collection method: clinical testing. Allele origin: germline.

Labcorp Genetics (formerly Invitae), Labcorp
Classification: Uncertain significance. Last evaluated: 2022-10-17. Review status: criteria provided, single submitter. Criteria: Invitae Variant Classification Sherloc (09022015). Collection method: clinical testing. Allele origin: germline.
Comment: ClinVar contains an entry for this variant (Variation ID: 1414279). This variant has not been reported in the literature in individuals affected with ISCU-related conditions. This variant is present in population databases (rs751470117, gnomAD 0.2%). This sequence change replaces alanine, which is neutral and non-polar, with valine, which is neutral and non-polar, at codon 13 of the ISCU protein (p.Ala13Val). In summary, the available evidence is currently insufficient to determine the role of this variant in disease. Therefore, it has been classified as a Variant of Uncertain Significance. Algorithms developed to predict the effect of missense changes on protein structure and function output the following: SIFT: "Tolerated"; PolyPhen-2: "Not Available"; Align-GVGD: "Class C0". The valine amino acid residue is found in multiple mammalian species, which suggests that this missense change does not adversely affect protein function.

NM_213595.4(ISCU):c.38C>T (p.Ala13Val)

Gene: ISCU (iron-sulfur cluster assembly enzyme; plus strand). Cytogenetic location: 12q23.3.
Variant type: single nucleotide variant.
Coding change: c.38C>T on transcript NM_213595.4 (MANE Select); coding-DNA position 38, C replaced by T.
Protein change: p.Ala13Val; replaces alanine 13 with valine.
Molecular consequence: missense variant. On other transcripts: 5 prime UTR variant (1), non-coding transcript variant (1).
Genome position (GRCh38, 1-based): chr12:108,562,660, C>T. VCF-style: chr12-108562660-C-T. GRCh37 (hg19) VCF-style: chr12-108956436-C-T.
Other names: c.38C>T, p.Ala13Val (NM_001301140.1, NM_001301141.1, NM_001320042.1); c.-134C>T (NM_014301.4); c.38C>T (NM_213595.2); short protein forms A13V.
Identifiers: ClinVar variation 1414279 (VCV001414279.6), dbSNP rs751470117, ClinGen allele CA6768704.